The following is an entry in ClinVar:

ClinVar aggregate classification (germline): Uncertain significance. Review status: criteria provided, multiple submitters, no conflicts (2 of 4 stars). 2 submissions from 2 submitters: Uncertain significance (2). Last evaluated 2026-09-01.

Conditions:
Wilson-Turner syndrome (WTS). Also called: INTELLECTUAL DEVELOPMENTAL DISORDER, X-LINKED, SYNDROMIC, WILSON-TURNER TYPE; MENTAL RETARDATION, X-LINKED, SYNDROMIC 6. Identifiers: Orphanet 3459, MedGen C1839736, MONDO:0010665, OMIM 309585.

Allele frequency attached by ClinVar (database versions not stated): ExAC 0.00001; gnomAD exomes 0.00001; TOPMed 0.00001.

Submissions (2):

CeGaT Center for Human Genetics Tuebingen
Classification: Uncertain significance. Last evaluated: 2026-09-01. Review status: criteria provided, single submitter. Criteria: CeGaT Center For Human Genetics Tuebingen Variant Classification Criteria Version 2. Collection method: clinical testing. Allele origin: germline. Affected: yes. Observed: 2 variant alleles.
Comment: LAS1L: PM2, BP4

Labcorp Genetics (formerly Invitae), Labcorp
Classification: Uncertain significance for Wilson-Turner syndrome. Last evaluated: 2025-04-24. Review status: criteria provided, single submitter. Criteria: Invitae Variant Classification Sherloc (09022015). Collection method: clinical testing. Allele origin: germline.
Comment: This sequence change replaces glutamine, which is neutral and polar, with arginine, which is basic and polar, at codon 225 of the LAS1L protein (p.Gln225Arg). This variant is present in population databases (rs758854025, gnomAD 0.001%). This variant has not been reported in the literature in individuals affected with LAS1L-related conditions. ClinVar contains an entry for this variant (Variation ID: 1395058). Invitae Evidence Modeling of protein sequence and biophysical properties (such as structural, functional, and spatial information, amino acid conservation, physicochemical variation, residue mobility, and thermodynamic stability) indicates that this missense variant is not expected to disrupt LAS1L protein function with a negative predictive value of 80%. In summary, the available evidence is currently insufficient to determine the role of this variant in disease. Therefore, it has been classified as a Variant of Uncertain Significance.

NM_031206.7(LAS1L):c.674A>G (p.Gln225Arg)

Gene: LAS1L (LAS1 like ribosome biogenesis factor; minus strand). Cytogenetic location: Xq12.
Variant type: single nucleotide variant.
Coding change: c.674A>G on transcript NM_031206.7 (MANE Select); coding-DNA position 674, A replaced by G.
Protein change: p.Gln225Arg; replaces glutamine 225 with arginine.
Molecular consequence: missense variant. On other transcripts: non-coding transcript variant (1), 5 prime UTR variant (1).
Genome position (GRCh38, 1-based): chrX:65,529,719, T>C on the plus strand (A>G on the coding strand, the complement: LAS1L is on the minus strand). VCF-style: chrX-65529719-T-C. GRCh37 (hg19) VCF-style: chrX-64749599-T-C.
Other names: c.674A>G, p.Gln225Arg (NM_001375333.1, NM_001375334.1, NM_001375335.1 and 7 more transcripts); c.548A>G, p.Gln183Arg (NM_001170650.2); c.-123A>G (NM_001375332.1); short protein forms Q225R, Q183R.
Identifiers: ClinVar variation 1395058 (VCV001395058.16), dbSNP rs758854025, ClinGen allele CA10434046.
Genomic context (GRCh38, chrX:65,529,719, plus strand): 5'-TCTCCATCGGCCTTTACATCTGACTCCGTACTTTTCCCATCATCCTGAGGCTCTGGTTTC[T>C]GTTCTGTGATGTCATCAACAACAATGTTCTTATCTTCCTCTTGATCCTCTTCCTCTATCC-3'
Protein context (NP_112483.1, residues 215-235): KNIVVDDITE[Gln225Arg]KPEPQDDGKS